The following is an entry in ClinVar:

ClinVar aggregate classification (germline): Uncertain significance (1 of 4 stars; one submission).

Conditions:
Primary ciliary dyskinesia. Also called: Ciliary dyskinesia. Identifiers: Orphanet 244, MedGen C0008780, MONDO:0016575, HP:0012265.

gnomAD v4.1: 49 of 1,613,808 alleles (0.003%); highest among the groups gnomAD compares: Non-Finnish European, 0.004%; no homozygotes.

Submission:

Labcorp Genetics (formerly Invitae), Labcorp
Classification: Uncertain significance for Primary ciliary dyskinesia. Last evaluated: 2025-06-22. Review status: criteria provided, single submitter. Criteria: Invitae Variant Classification Sherloc (09022015). Collection method: clinical testing. Allele origin: germline.
Comment: This sequence change replaces leucine, which is neutral and non-polar, with arginine, which is basic and polar, at codon 3645 of the DNAH8 protein (p.Leu3645Arg). This variant is present in population databases (rs368315323, gnomAD 0.004%). This variant has not been reported in the literature in individuals affected with DNAH8-related conditions. Invitae Evidence Modeling of protein sequence and biophysical properties (such as structural, functional, and spatial information, amino acid conservation, physicochemical variation, residue mobility, and thermodynamic stability) indicates that this missense variant is expected to disrupt DNAH8 protein function with a positive predictive value of 80%. In summary, the available evidence is currently insufficient to determine the role of this variant in disease. Therefore, it has been classified as a Variant of Uncertain Significance.

NM_001206927.2(DNAH8):c.10934T>G (p.Leu3645Arg)

Genes: DNAH8 (dynein axonemal heavy chain 8; plus strand), DNAH8-AS1 (DNAH8 antisense RNA 1; minus strand). Cytogenetic location: 6p21.2.
Variant type: single nucleotide variant.
Coding change: c.10934T>G on transcript NM_001206927.2 (MANE Select); coding-DNA position 10934, T replaced by G.
Protein change: p.Leu3645Arg; replaces leucine 3645 with arginine.
Molecular consequence: missense variant.
Genome position (GRCh38, 1-based): chr6:38,924,134, T>G. VCF-style: chr6-38924134-T-G. GRCh37 (hg19) VCF-style: chr6-38891910-T-G.
Other names: c.10283T>G, p.Leu3428Arg (NM_001371.4); short protein forms L3428R, L3645R.
Identifiers: ClinVar variation 4748756 (VCV004748756.1).